The following is an entry in ClinVar:

ClinVar aggregate classification (germline): Pathogenic (1 of 4 stars; one submission).

Conditions:
Autosomal dominant nonsyndromic hearing loss 17. Also called: Deafness, autosomal dominant 17; Autosomal dominant nonsyndromic deafness 17. Identifiers: Orphanet 90635, MedGen C1863659, MONDO:0011350, OMIM 603622.

Submission:

Laboratory of Prof. Karen Avraham, Tel Aviv University
Classification: Pathogenic for Autosomal dominant nonsyndromic hearing loss 17. Last evaluated: 2024-05-30. Review status: criteria provided, single submitter. Criteria: ACMG Guidelines, 2015. Collection method: research. Allele origin: germline. Affected: yes. Observed: 1 variant allele.
Comment: A stop variant in a known AD gene with many other known stop mutations

DFNA17;high-tone normal-moderate HL

NM_002473.6(MYH9):c.2163T>G (p.Tyr721Ter)

Gene: MYH9 (myosin heavy chain 9; minus strand). Cytogenetic location: 22q12.3.
Variant type: single nucleotide variant.
Coding change: c.2163T>G on transcript NM_002473.6 (MANE Select); coding-DNA position 2163, T replaced by G.
Protein change: p.Tyr721Ter; replaces tyrosine 721 with a stop codon.
Molecular consequence: nonsense.
Genome position (GRCh38, 1-based): chr22:36,305,099, A>C on the plus strand (T>G on the coding strand, the complement: MYH9 is on the minus strand). VCF-style: chr22-36305099-A-C. GRCh37 (hg19) VCF-style: chr22-36701145-A-C.
Other names: short protein forms Y721*.
Identifiers: ClinVar variation 3250387 (VCV003250387.1), dbSNP rs990176353.